The following is an entry in ClinVar:

ClinVar aggregate classification (germline): Uncertain significance (1 of 4 stars; one submission).

Submission:

CeGaT Center for Human Genetics Tuebingen
Classification: Uncertain significance. Last evaluated: 2026-04-01. Review status: criteria provided, single submitter. Criteria: CeGaT Center For Human Genetics Tuebingen Variant Classification Criteria Version 2. Collection method: clinical testing. Allele origin: germline. Affected: yes. Observed: 1 variant allele.
Comment: SALL1: PM2, PM4:Supporting, PS2:Supporting

NM_002968.3(SALL1):c.2405_2407dup (p.Tyr802_Ser803insTyr)

Gene: SALL1 (spalt like transcription factor 1; minus strand). Cytogenetic location: 16q12.1.
Variant type: Duplication.
Coding change: c.2405_2407dup on transcript NM_002968.3 (MANE Select); coding-DNA positions 2405 to 2407, 3 bases duplicated (ACT; older notation c.2405_2407dupACT).
Protein change: p.Tyr802_Ser803insTyr.
Molecular consequence: inframe insertion.
Genome position (GRCh38, 1-based): chr16:51,139,815-51,139,817, AGT duplicated on the plus strand (ACT on the coding strand, the reverse complement: SALL1 is on the minus strand); duplicating any 3 consecutive bases within chr16:51,139,815-51,139,819 gives the same sequence; the c. name uses the placement nearest the transcript's 3' end. VCF-style (leftmost placement, unchanged base first): chr16-51139814-G-GAGT. GRCh37 (hg19) VCF-style: chr16-51173725-G-GAGT.
Other names: c.2114_2116dup, p.Tyr705_Ser706insTyr (NM_001127892.2).
Identifiers: ClinVar variation 4874648 (VCV004874648.2).